The following is an entry in ClinVar:

ClinVar aggregate classification (germline): Uncertain significance (1 of 4 stars; one submission).

Conditions:
Smith-McCort dysplasia 1 (SMC1). Also called: Smith-McCort dwarfism. Identifiers: MedGen C3888088, MONDO:0011814, OMIM 607326.
Dyggve-Melchior-Clausen syndrome (DMC). Also called: Dyggve-Melchior-Clausen disease; DMC syndrome. Identifiers: Orphanet 239, MedGen C0265286, MONDO:0009130, OMIM 223800.

Submission:

Juno Genomics, Hangzhou Juno Genomics, Inc
Classification: Uncertain significance for Dyggve-Melchior-Clausen syndrome; Smith-McCort dysplasia 1. Review status: criteria provided, single submitter. Criteria: ACMG Guidelines, 2015. Collection method: clinical testing. Allele origin: germline.
Comment: Absent from controls (or at extremely low frequency if recessive) in Genome Aggregation Database.;Multiple lines of computational evidence support a deleterious effect on the gene or gene product.

NM_001353214.3(DYM):c.644T>G (p.Val215Gly)

Gene: DYM (dymeclin; minus strand). Cytogenetic location: 18q21.1.
Variant type: single nucleotide variant.
Coding change: c.644T>G on transcript NM_001353214.3 (MANE Select); coding-DNA position 644, T replaced by G.
Protein change: p.Val215Gly; replaces valine 215 with glycine.
Molecular consequence: missense variant. On other transcripts: intron variant (4).
Genome position (GRCh38, 1-based): chr18:49,331,983, A>C on the plus strand (T>G on the coding strand, the complement: DYM is on the minus strand). VCF-style: chr18-49331983-A-C. GRCh37 (hg19) VCF-style: chr18-46858353-A-C.
Other names: c.416T>G, p.Val139Gly (NM_001374440.1); c.644T>G, p.Val215Gly (NM_017653.6, NM_001353210.3, NM_001353213.3 and 10 more transcripts); c.194-45370T>G (NM_001374443.1); c.194-45367T>G (NM_001374444.1, NM_001374442.1, NM_001374441.1); c.641T>G, p.Val214Gly (NM_001353211.3, NM_001353212.3, NM_001374429.1 and 1 more transcripts); c.518T>G, p.Val173Gly (NM_001374432.1, NM_001374436.1); short protein forms V215G, V139G, V214G, V173G.
Identifiers: ClinVar variation 5005890 (VCV005005890.2).